The following is an entry in ClinVar:

NM_001267550.2(TTN):c.56089G>T (p.Glu18697Ter)

Genes: TTN-AS1 (TTN antisense RNA 1; plus strand), TTN (titin; minus strand). Cytogenetic location: 2q31.2.
Variant type: single nucleotide variant.
Coding change: c.56089G>T on transcript NM_001267550.2 (MANE Select); coding-DNA position 56089, G replaced by T.
Protein change: p.Glu18697Ter; replaces glutamic acid 18697 with a stop codon.
Molecular consequence: nonsense.
Genome position (GRCh38, 1-based): chr2:178,599,812, C>A on the plus strand (G>T on the coding strand, the complement: TTN is on the minus strand). VCF-style: chr2-178599812-C-A. GRCh37 (hg19) VCF-style: chr2-179464539-C-A.
Other names: c.51166G>T, p.Glu17056Ter (NM_001256850.1); c.28894G>T, p.Glu9632Ter (NM_003319.4); c.48385G>T, p.Glu16129Ter (NM_133378.4); c.29269G>T, p.Glu9757Ter (NM_133432.3); c.29470G>T, p.Glu9824Ter (NM_133437.4); short protein forms E16129*, E17056*, E18697*, E9632*, E9757*, E9824*.
Identifiers: ClinVar variation 1067329 (VCV001067329.12), dbSNP rs1391010387, ClinGen allele CA349534970.
Genomic context (GRCh38, chr2:178,599,812, plus strand): 5'-TTAGTGTCGGGAATGGCACACCTTTAATTTTGGCCACAATGTTAACATTGGTTCCTTCTT[C>A]AACCTCCATGAATTCTTTTAGATCAATTGATGGTGGGCCTAGATTATTTAAAAAAAGTTG-3'

ClinVar aggregate classification (germline): Likely pathogenic. Review status: criteria provided, multiple submitters, no conflicts (2 of 4 stars). 2 submissions from 2 submitters: Likely pathogenic (2). Last evaluated 2026-04-16.

Conditions:
Cardiovascular phenotype. Identifiers: MedGen CN230736.
Dilated cardiomyopathy 1G (CMD1G). Identifiers: Orphanet 154, MedGen C1858763, MONDO:0011400, OMIM 604145.
Autosomal recessive limb-girdle muscular dystrophy type 2J (LGMDR10). Also called: Limb-girdle muscular dystrophy, type 2J; MUSCULAR DYSTROPHY, LIMB-GIRDLE, AUTOSOMAL RECESSIVE 10. Identifiers: Orphanet 140922, MedGen C1837342, MONDO:0012127, OMIM 608807.

Allele frequency attached by ClinVar (database versions not stated): gnomAD exomes below 0.00001.
gnomAD v4.1: 1 of 1,602,946 alleles (0.000062%); highest among the groups gnomAD compares: Non-Finnish European, 0.000085%; no homozygotes.

Submissions (2):

Ambry Genetics
Classification: Likely pathogenic for Cardiovascular phenotype. Last evaluated: 2026-04-16. Review status: criteria provided, single submitter. Criteria: Ambry Variant Classification Scheme 2023. Collection method: clinical testing. Allele origin: germline.
Comment: The p.E9632* variant (also known as c.28894G>T), located in coding exon 116 of the TTN gene, results from a G to T substitution at nucleotide position 28894. This changes the amino acid from a glutamic acid to a stop codon within coding exon 116. This exon is located in the A-band region of the N2-B isoform of the titin protein and is constitutively expressed in TTN transcripts (percent spliced in or PSI 100%). This variant was reported in individual(s) with features consistent with dilated cardiomyopathy (Ambry internal data). This variant is considered to be rare based on population cohorts in the Genome Aggregation Database (gnomAD). This variant is expected to result in loss of function by premature protein truncation or nonsense-mediated mRNA decay. While truncating variants in TTN are present in 1-3% of the general population, truncating variants in the A-band are the most common cause of dilated cardiomyopathy (Herman DS et al. N. Engl. J. Med., 2012 Feb;366:619-28; Roberts AM et al. Sci Transl Med, 2015 Jan;7:270ra6). TTN truncating variants encoded in constitutive exons (PSI >90%) have been found to be significantly associated with DCM regardless of their position in titin (Schafer S et al. Nat. Genet., 2017 01;49:46-53; Akhtar MM et al. Circ Heart Fail, 2020 Oct;13:e006832; Massier M et al. Clin Genet, 2025 Jan). Based on the majority of available evidence to date, this variant is likely to be pathogenic.

Labcorp Genetics (formerly Invitae), Labcorp
Classification: Likely pathogenic for Dilated cardiomyopathy 1G; Autosomal recessive limb-girdle muscular dystrophy type 2J. Last evaluated: 2025-12-03. Review status: criteria provided, single submitter. Criteria: Invitae Variant Classification Sherloc (09022015). Collection method: clinical testing. Allele origin: germline.
Comment: This sequence change creates a premature translational stop signal (p.Glu18697*) in the TTN gene. While this is not anticipated to result in nonsense mediated decay, it is expected to create a truncated TTN protein. This variant is not present in population databases (gnomAD no frequency). This variant has not been reported in the literature in individuals affected with TTN-related conditions. ClinVar contains an entry for this variant (Variation ID: 1067329). This variant is located in the A band of TTN (PMID: 25589632). Truncating variants in this region are significantly overrepresented in patients affected with dilated cardiomyopathy (PMID: 25589632). Truncating variants in this region have also been reported in individuals affected with autosomal recessive centronuclear myopathy (PMID: 23975875). In summary, the currently available evidence indicates that the variant is pathogenic, but additional data are needed to prove that conclusively. Therefore, this variant has been classified as Likely Pathogenic.

Literature cited by the submitters: PubMed 25589632 (cited by Labcorp Genetics (formerly Invitae), Labcorp); PubMed 23975875 (cited by Labcorp Genetics (formerly Invitae), Labcorp).